The following is an entry in ClinVar:

ClinVar aggregate classification (germline): Uncertain significance. Review status: criteria provided, single submitter (1 of 4 stars). 2 submissions from 2 submitters: Uncertain significance (1). 1 of the submissions does not count toward it. Last evaluated 2025-11-04.

Conditions:
Dyskeratosis congenita, autosomal recessive 6 (DKCB6). Identifiers: MedGen C4225356, MONDO:0014600, OMIM 616353.
Pulmonary fibrosis and/or bone marrow failure, Telomere-related, 4. Also called: PULMONARY FIBROSIS AND/OR BONE MARROW FAILURE SYNDROME, TELOMERE-RELATED, 4. Identifiers: Orphanet 2032, MedGen C4225347, MONDO:0014612, OMIM 616371.
Pulmonary fibrosis. Identifiers: MedGen C0034069, MONDO:0002771, HP:0002206.

Allele frequency attached by ClinVar (database versions not stated): ExAC 0.00002; gnomAD 0.00002; TOPMed 0.00002; gnomAD exomes 0.00003 and 0.00006.
gnomAD v4.1: 79 of 1,566,006 alleles (0.005%); highest among the groups gnomAD compares: Non-Finnish European, 0.0066%; no homozygotes.

Submissions (2):

Labcorp Genetics (formerly Invitae), Labcorp
Classification: Uncertain significance for Dyskeratosis congenita, autosomal recessive 6; Pulmonary fibrosis and/or bone marrow failure, Telomere-related, 4. Last evaluated: 2025-11-04. Review status: criteria provided, single submitter. Criteria: Invitae Variant Classification Sherloc (09022015). Collection method: clinical testing. Allele origin: germline.
Comment: This sequence change replaces proline, which is neutral and non-polar, with leucine, which is neutral and non-polar, at codon 222 of the PARN protein (p.Pro222Leu). The frequency data for this variant in the population databases is considered unreliable, as metrics indicate poor data quality at this position in the gnomAD database. This missense change has been observed in individual(s) with PARN-associated conditions (PMID: 36028256). ClinVar contains an entry for this variant (Variation ID: 936588). Invitae Evidence Modeling of protein sequence and biophysical properties (such as structural, functional, and spatial information, amino acid conservation, physicochemical variation, residue mobility, and thermodynamic stability) has been performed for this missense variant. However, the output from this modeling did not meet the statistical confidence thresholds required to predict the impact of this variant on PARN protein function. In summary, the available evidence is currently insufficient to determine the role of this variant in disease. Therefore, it has been classified as a Variant of Uncertain Significance.

Garcia Pulmonary Genetics Research Laboratory, Columbia University Irving Medical Center
Classification: Likely risk allele for Pulmonary fibrosis. Last evaluated: 2022-06-09. Review status: no assertion criteria provided. Collection method: research. Allele origin: germline. Affected: yes. Not counted in ClinVar's aggregate classification.
Comment: Leukocyte telomere length (by qPCR) less than 10th percentile age-adjusted

Literature cited by the submitters: PubMed 36028256 (cited by Labcorp Genetics (formerly Invitae), Labcorp).

NM_002582.4(PARN):c.665C>T (p.Pro222Leu)

Gene: PARN (poly(A)-specific ribonuclease; minus strand). Cytogenetic location: 16p13.12.
Variant type: single nucleotide variant.
Coding change: c.665C>T on transcript NM_002582.4 (MANE Select); coding-DNA position 665, C replaced by T.
Protein change: p.Pro222Leu; replaces proline 222 with leucine.
Molecular consequence: missense variant.
Genome position (GRCh38, 1-based): chr16:14,606,521, G>A on the plus strand (C>T on the coding strand, the complement: PARN is on the minus strand). VCF-style: chr16-14606521-G-A. GRCh37 (hg19) VCF-style: chr16-14700378-G-A.
Other names: p.Pro176Leu; c.482C>T, p.Pro161Leu (NM_001134477.3); c.527C>T, p.Pro176Leu (NM_001242992.2); short protein forms P176L, P161L, P222L.
Identifiers: ClinVar variation 936588 (VCV000936588.35), dbSNP rs770353163, ClinGen allele CA7912349.
Genomic context (GRCh38, chr16:14,606,521, plus strand): 5'-CCCTAGATAATTCTTGGGGTTACCTTTTCAGTTTCTAAAGTCTCAACATGAATGCCTTTC[G>A]GATACCTAAAGAAAAGAAAAACATAGTATCAGTAGATGAGTCAATGACAGCTAAATCCCA-3'
Protein context (NP_002573.1, residues 212-232): LIYQTLSWKY[Pro222Leu]KGIHVETLET